The following is an entry in ClinVar:

NM_004415.4(DSP):c.8014C>G (p.Gln2672Glu)

Gene: DSP (desmoplakin; plus strand). Cytogenetic location: 6p24.3.
Variant type: single nucleotide variant.
Coding change: c.8014C>G on transcript NM_004415.4 (MANE Select); coding-DNA position 8014, C replaced by G.
Protein change: p.Gln2672Glu; replaces glutamine 2672 with glutamic acid.
Molecular consequence: missense variant.
Genome position (GRCh38, 1-based): chr6:7,585,276, C>G. VCF-style: chr6-7585276-C-G. GRCh37 (hg19) VCF-style: chr6-7585509-C-G.
Other names: c.8014C>G (LRG_423t1); c.6217C>G, p.Gln2073Glu (NM_001008844.3); c.6685C>G, p.Gln2229Glu (NM_001319034.2); short protein forms Q2672E, Q2229E, Q2073E.
Identifiers: ClinVar variation 427967 (VCV000427967.18), dbSNP rs1064793890, ClinGen allele CA362694257.

ClinVar aggregate classification (germline): Uncertain significance. Review status: criteria provided, multiple submitters, no conflicts (2 of 4 stars). 5 submissions from 5 submitters: Uncertain significance (5). Last evaluated 2025-12-31.

Conditions:
Cardiomyopathy (CMYO). Also called: Cardiomyopathies. Identifiers: Orphanet 167848, MedGen C0878544, MONDO:0004994, HP:0001638. Inheritance: Various modes of inheritance.
Cardiovascular phenotype. Identifiers: MedGen CN230736.
Arrhythmogenic right ventricular dysplasia 8 (ARVD8). Also called: Arrhythmogenic Right Ventricular Dysplasia/Cardiomyopathy 8; ARRHYTHMOGENIC RIGHT VENTRICULAR DYSPLASIA, FAMILIAL, 8; ARRHYTHMOGENIC RIGHT VENTRICULAR CARDIOMYOPATHY 8. Identifiers: MedGen C1843896, MONDO:0011831, OMIM 607450.
Arrhythmogenic cardiomyopathy with wooly hair and keratoderma. Also called: PALMOPLANTAR KERATODERMA WITH LEFT VENTRICULAR CARDIOMYOPATHY AND WOOLLY HAIR; Dilated cardiomyopathy with woolly hair and keratoderma; Carvajal syndrome; Arrhythmogenic cardiomyopathy with woolly hair and keratoderma. Identifiers: Orphanet 65282, MedGen C1854063, MONDO:0011581, OMIM 605676.
Hypertrophic cardiomyopathy. Also called: HYPERTROPHIC MYOCARDIOPATHY. Identifiers: Orphanet 217569, MedGen C0007194, MeSH D002312, MONDO:0005045, HP:0001639.

Allele frequency attached by ClinVar (database versions not stated): gnomAD exomes 0.00001; TOPMed 0.00001.
gnomAD v4.1: 19 of 1,614,196 alleles (0.0012%); highest among the groups gnomAD compares: African/African-American, 0.0053%; no homozygotes.

Submissions (5):

Labcorp Genetics (formerly Invitae), Labcorp
Classification: Uncertain significance for Arrhythmogenic cardiomyopathy with wooly hair and keratoderma; Arrhythmogenic right ventricular dysplasia 8. Last evaluated: 2025-12-31. Review status: criteria provided, single submitter. Criteria: Invitae Variant Classification Sherloc (09022015). Collection method: clinical testing. Allele origin: germline.
Comment: This sequence change replaces glutamine, which is neutral and polar, with glutamic acid, which is acidic and polar, at codon 2672 of the DSP protein (p.Gln2672Glu). This variant is present in population databases (no rsID available, gnomAD 0.002%). This variant has not been reported in the literature in individuals affected with DSP-related conditions. ClinVar contains an entry for this variant (Variation ID: 427967). An algorithm developed to predict the effect of missense changes on protein structure and function (PolyPhen-2) suggests that this variant is likely to be tolerated. In summary, the available evidence is currently insufficient to determine the role of this variant in disease. Therefore, it has been classified as a Variant of Uncertain Significance.

Ambry Genetics
Classification: Uncertain significance for Cardiovascular phenotype. Last evaluated: 2025-08-07. Review status: criteria provided, single submitter. Criteria: Ambry Variant Classification Scheme 2023. Collection method: clinical testing. Allele origin: germline.
Comment: The p.Q2672E variant (also known as c.8014C>G), located in coding exon 24 of the DSP gene, results from a C to G substitution at nucleotide position 8014. The glutamine at codon 2672 is replaced by glutamic acid, an amino acid with highly similar properties. This alteration has been reported in hypertrophic cardiomyopathy (HCM) cohorts; however, clinical details were limited (Robyns T et al. Eur J Hum Genet, 2017 Dec;25:1313-1323; Smith E et al. J Am Heart Assoc, 2022 May;11:e024501). This amino acid position is well conserved in available vertebrate species. In addition, this alteration is predicted to be tolerated by in silico analysis. Since supporting evidence is limited at this time, the clinical significance of this alteration remains unclear.

GeneDx
Classification: Uncertain significance. Last evaluated: 2025-06-10. Review status: criteria provided, single submitter. Criteria: GeneDx Variant Classification Process June 2021. Collection method: clinical testing. Allele origin: germline. Affected: yes.
Comment: Not observed at significant frequency in large population cohorts (gnomAD); In silico analysis suggests that this missense variant does not alter protein structure/function; Identified in patients with HCM in published literature (PMID: 29255176, 35470680); This variant is associated with the following publications: (PMID: 29255176, 35470680)

Color Diagnostics, LLC DBA Color Health
Classification: Uncertain significance for Cardiomyopathy. Last evaluated: 2023-12-08. Review status: criteria provided, single submitter. Criteria: ACMG Guidelines, 2015. Collection method: clinical testing. Allele origin: germline.
Comment: This missense variant replaces glutamine with glutamic acid at codon 2672 of the DSP protein. Computational prediction suggests that this variant may not impact protein structure and function (internally defined REVEL score threshold <= 0.5, PMID: 27666373). To our knowledge, functional studies have not been reported for this variant. This variant has been reported in two individuals affected with hypertrophic cardiomyopathy (PMID: 29255176, 35470680). This variant has been identified in 2/251008 chromosomes in the general population by the Genome Aggregation Database (gnomAD). The available evidence is insufficient to determine the role of this variant in disease conclusively. Therefore, this variant is classified as a Variant of Uncertain Significance.

Center for Human Genetics, University of Leuven
Classification: Uncertain significance for Hypertrophic cardiomyopathy. Last evaluated: 2017-04-30. Review status: criteria provided, single submitter. Criteria: ACMG Guidelines, 2015. Collection method: clinical testing. Allele origin: germline. Inheritance: Autosomal dominant inheritance. Affected: yes.

Literature cited by the submitters: PubMed 29255176 (cited by Ambry Genetics and Color Diagnostics, LLC DBA Color Health); PubMed 35470680 (cited by Ambry Genetics and Color Diagnostics, LLC DBA Color Health).